The following is an entry in ClinVar:

ClinVar aggregate classification (germline): Uncertain significance (1 of 4 stars; one submission).

Conditions:
Cardiovascular phenotype. Identifiers: MedGen CN230736.

Allele frequency attached by ClinVar (database versions not stated): gnomAD 0.00001; TOPMed 0.00002.
gnomAD v4.1: 11 of 1,514,554 alleles (0.00073%); highest among the groups gnomAD compares: Non-Finnish European, 0.00097%; no homozygotes.

Submission:

Ambry Genetics
Classification: Uncertain significance for Cardiovascular phenotype. Last evaluated: 2022-12-02. Review status: criteria provided, single submitter. Criteria: Ambry Variant Classification Scheme 2023. Collection method: clinical testing. Allele origin: germline.
Comment: The p.A936V variant (also known as c.2807C>T), located in coding exon 1 of the ZNF469 gene, results from a C to T substitution at nucleotide position 2807. The alanine at codon 936 is replaced by valine, an amino acid with similar properties. This amino acid position is not well conserved in available vertebrate species. In addition, this alteration is predicted to be tolerated by in silico analysis. Since supporting evidence is limited at this time, the clinical significance of this alteration remains unclear.

NM_001367624.2(ZNF469):c.2807C>T (p.Ala936Val)

Gene: ZNF469 (zinc finger protein 469; plus strand). Cytogenetic location: 16q24.2.
Variant type: single nucleotide variant.
Coding change: c.2807C>T on transcript NM_001367624.2 (MANE Select); coding-DNA position 2807, C replaced by T.
Protein change: p.Ala936Val; replaces alanine 936 with valine.
Molecular consequence: missense variant.
Genome position (GRCh38, 1-based): chr16:88,430,277, C>T. VCF-style: chr16-88430277-C-T. GRCh37 (hg19) VCF-style: chr16-88496685-C-T.
Other names: NM_001127464.1:c.2807C>T; short protein forms A936V.
Identifiers: ClinVar variation 2449434 (VCV002449434.2), dbSNP rs917402431, ClinGen allele CA286374178.